The following is an entry in ClinVar:

ClinVar aggregate classification (germline): Uncertain significance (0 of 4 stars; one submission).

Conditions:
KSR2-related disorder. Also called: KSR2-related condition.

gnomAD v4.1: 5 of 1,608,004 alleles (0.00031%); highest among the groups gnomAD compares: Non-Finnish European, 0.00042%; no homozygotes.

Submission:

PreventionGenetics, part of Exact Sciences
Classification: Uncertain significance for KSR2-related condition. Last evaluated: 2024-03-28. Review status: no assertion criteria provided. Collection method: clinical testing. Allele origin: germline.
Comment: The KSR2 c.1438A>T variant is predicted to result in the amino acid substitution p.Ile480Phe. To our knowledge, this variant has not been reported in the literature. This variant is reported in 0.00091% of alleles in individuals of European (Non-Finnish) descent in gnomAD. At this time, the clinical significance of this variant is uncertain due to the absence of conclusive functional and genetic evidence.

NM_173598.6(KSR2):c.1525A>T (p.Ile509Phe)

Gene: KSR2 (kinase suppressor of ras 2; minus strand). Cytogenetic location: 12q24.22.
Variant type: single nucleotide variant.
Coding change: c.1525A>T on transcript NM_173598.6 (MANE Select); coding-DNA position 1525, A replaced by T.
Protein change: p.Ile509Phe; replaces isoleucine 509 with phenylalanine.
Molecular consequence: missense variant.
Genome position (GRCh38, 1-based): chr12:117,539,881, T>A on the plus strand (A>T on the coding strand, the complement: KSR2 is on the minus strand). VCF-style: chr12-117539881-T-A. GRCh37 (hg19) VCF-style: chr12-117977686-T-A.
Other names: short protein forms I509F.
Identifiers: ClinVar variation 3356031 (VCV003356031.1).